The following is an entry in ClinVar:

ClinVar aggregate classification (germline): Uncertain significance (1 of 4 stars; one submission).

Conditions:
DOCK4-related disorder. Also called: DOCK4-related condition.

Allele frequency attached by ClinVar (database versions not stated): TOPMed below 0.00001; ExAC 0.00001.
gnomAD v4.1: 3 of 1,613,068 alleles (0.00019%); highest among the groups gnomAD compares: African/African-American, 0.0027%; no homozygotes.

Submission:

PreventionGenetics, part of Exact Sciences
Classification: Uncertain significance for DOCK4-related condition. Last evaluated: 2022-11-09. Review status: criteria provided, single submitter. Criteria: ACMG Guidelines, 2015. Collection method: clinical testing. Allele origin: germline.
Comment: The DOCK4 c.5504C>T variant is predicted to result in the amino acid substitution p.Pro1835Leu. To our knowledge, this variant has not been reported in the literature. This variant is reported in 0.0% of alleles in individuals of African descent in gnomAD. At this time, the clinical significance of this variant is uncertain due to the absence of conclusive functional and genetic evidence.

NM_001363540.2(DOCK4):c.5504C>T (p.Pro1835Leu)

Gene: DOCK4 (dedicator of cytokinesis 4; minus strand). Cytogenetic location: 7q31.1.
Variant type: single nucleotide variant.
Coding change: c.5504C>T on transcript NM_001363540.2 (MANE Select); coding-DNA position 5504, C replaced by T.
Protein change: p.Pro1835Leu; replaces proline 1835 with leucine.
Molecular consequence: missense variant.
Genome position (GRCh38, 1-based): chr7:111,728,698, G>A on the plus strand (C>T on the coding strand, the complement: DOCK4 is on the minus strand). VCF-style: chr7-111728698-G-A. GRCh37 (hg19) VCF-style: chr7-111368754-G-A.
Other names: c.5477C>T, p.Pro1826Leu (NM_014705.4); short protein forms P1826L, P1835L.
Identifiers: ClinVar variation 2634986 (VCV002634986.1), dbSNP rs776053096, ClinGen allele CA4441222.